The following is an entry in ClinVar:

NM_000083.3(CLCN1):c.1582+1G>A

Gene: CLCN1 (chloride voltage-gated channel 1; plus strand). Cytogenetic location: 7q34.
Variant type: single nucleotide variant.
Coding change: c.1582+1G>A on transcript NM_000083.3 (MANE Select); the canonical splice donor site of the intron after coding-DNA position 1582, G replaced by A.
Molecular consequence: splice donor variant.
Genome position (GRCh38, 1-based): chr7:143,339,622, G>A. VCF-style: chr7-143339622-G-A. GRCh37 (hg19) VCF-style: chr7-143036715-G-A.
Identifiers: ClinVar variation 1996159 (VCV001996159.4), dbSNP rs755211647, ClinGen allele CA168219874.

ClinVar aggregate classification (germline): Pathogenic (1 of 4 stars; one submission).

Conditions:
Congenital myotonia, autosomal recessive form. Also called: BECKER DISEASE; Becker Generalized Myotonia; myotonia congenita, autosomal recessive. Identifiers: Orphanet 614, MedGen C0751360, MONDO:0009715, OMIM 255700.
Congenital myotonia, autosomal dominant form (THD). Also called: THOMSEN DISEASE; Myotonia congenita autosomal dominant. Identifiers: Orphanet 614, MedGen C2936781, MONDO:0008055, OMIM 160800.

Allele frequency attached by ClinVar (database versions not stated): gnomAD exomes 0.00002.
gnomAD v4.1: 12 of 1,563,668 alleles (0.00077%); highest among the groups gnomAD compares: Non-Finnish European, 0.0011%; no homozygotes.

Submission:

Labcorp Genetics (formerly Invitae), Labcorp
Classification: Pathogenic for Congenital myotonia, autosomal recessive form; Congenital myotonia, autosomal dominant form. Last evaluated: 2025-09-02. Review status: criteria provided, single submitter. Criteria: Invitae Variant Classification Sherloc (09022015). Collection method: clinical testing. Allele origin: germline.
Comment: This sequence change affects a donor splice site in intron 14 of the CLCN1 gene. It is expected to disrupt RNA splicing. Variants that disrupt the donor or acceptor splice site typically lead to a loss of protein function (PMID: 16199547), and loss-of-function variants in CLCN1 are known to be pathogenic (PMID: 17932099, 22094069, 23739125). This variant is not present in population databases (gnomAD no frequency). Disruption of this splice site has been observed in individuals with autosomal recessive myotonia congenita (PMID: 34529042; internal data). ClinVar contains an entry for this variant (Variation ID: 1996159). Algorithms developed to predict the effect of sequence changes on RNA splicing suggest that this variant may disrupt the consensus splice site. For these reasons, this variant has been classified as Pathogenic.

Literature cited by the submitters: PubMed 16199547; PubMed 17932099; PubMed 22094069; PubMed 23739125; PubMed 34529042.